The following is an entry in ClinVar:

ClinVar aggregate classification (germline): Likely benign (1 of 4 stars; one submission).

Allele frequency attached by ClinVar (database versions not stated): gnomAD exomes 0.00001.

Submission:

GeneDx
Classification: Likely benign. Last evaluated: 2016-05-16. Review status: criteria provided, single submitter. Criteria: GeneDx Variant Classification (06012015). Collection method: clinical testing. Allele origin: germline. Affected: yes.
Comment: This variant is considered likely benign or benign based on one or more of the following criteria: it is a conservative change, it occurs at a poorly conserved position in the protein, it is predicted to be benign by multiple in silico algorithms, and/or has population frequency not consistent with disease.

NM_004006.3(DMD):c.1006G>A (p.Glu336Lys)

Gene: DMD (dystrophin; minus strand). Cytogenetic location: Xp21.1.
Variant type: single nucleotide variant.
Coding change: c.1006G>A on transcript NM_004006.3 (MANE Select); coding-DNA position 1006, G replaced by A.
Protein change: p.Glu336Lys; replaces glutamic acid 336 with lysine.
Molecular consequence: missense variant.
Genome position (GRCh38, 1-based): chrX:32,645,107, C>T on the plus strand (G>A on the coding strand, the complement: DMD is on the minus strand). VCF-style: chrX-32645107-C-T. GRCh37 (hg19) VCF-style: chrX-32663224-C-T.
Other names: c.982G>A, p.Glu328Lys (NM_000109.4); c.994G>A, p.Glu332Lys (NM_004009.3); c.637G>A, p.Glu213Lys (NM_004010.3); short protein forms E336K, E332K, E213K, E328K.
Identifiers: ClinVar variation 386220 (VCV000386220.1), dbSNP rs1057522454, ClinGen allele CA16608849.